The following is an entry in ClinVar:

ClinVar aggregate classification (germline): Uncertain significance (1 of 4 stars; one submission).

Conditions:
Peroxisome biogenesis disorder. Identifiers: Orphanet 79189, MedGen C1832200, MONDO:0019234. Disease mechanism: loss of function.

Submission:

Labcorp Genetics (formerly Invitae), Labcorp
Classification: Uncertain significance for Peroxisome biogenesis disorder. Last evaluated: 2021-11-14. Review status: criteria provided, single submitter. Criteria: Invitae Variant Classification Sherloc (09022015). Collection method: clinical testing. Allele origin: germline.
Comment: This sequence change replaces leucine, which is neutral and non-polar, with valine, which is neutral and non-polar, at codon 52 of the PEX6 protein (p.Leu52Val). In summary, the available evidence is currently insufficient to determine the role of this variant in disease. Therefore, it has been classified as a Variant of Uncertain Significance. Algorithms developed to predict the effect of missense changes on protein structure and function are either unavailable or do not agree on the potential impact of this missense change (SIFT: "Tolerated"; PolyPhen-2: "Probably Damaging"; Align-GVGD: "Class C0"). This variant has not been reported in the literature in individuals affected with PEX6-related conditions. This variant is not present in population databases (gnomAD no frequency).

NM_000287.4(PEX6):c.154C>G (p.Leu52Val)

Gene: PEX6 (peroxisomal biogenesis factor 6; minus strand). Cytogenetic location: 6p21.1.
Variant type: single nucleotide variant.
Coding change: c.154C>G on transcript NM_000287.4 (MANE Select); coding-DNA position 154, C replaced by G.
Protein change: p.Leu52Val; replaces leucine 52 with valine.
Molecular consequence: missense variant. On other transcripts: non-coding transcript variant (1).
Genome position (GRCh38, 1-based): chr6:42,978,997, G>C on the plus strand (C>G on the coding strand, the complement: PEX6 is on the minus strand). VCF-style: chr6-42978997-G-C. GRCh37 (hg19) VCF-style: chr6-42946735-G-C.
Other names: c.154C>G, p.Leu52Val (NM_001316313.2); short protein forms L52V.
Identifiers: ClinVar variation 1393274 (VCV001393274.6), dbSNP rs2150240677, ClinGen allele CA364168709.